The following is an entry in ClinVar:

ClinVar aggregate classification (germline): Conflicting classifications of pathogenicity. Review status: criteria provided, conflicting classifications (1 of 4 stars). 6 submissions from 6 submitters: Uncertain significance (1); Likely benign (4). 1 of the submissions does not count toward it. Last evaluated 2024-10-16.

Conditions:
MYH14-related disorder. Also called: MYH14-related condition.

Allele frequency attached by ClinVar (database versions not stated): ESP Exome Variant Server 0.00008; gnomAD 0.00010; TOPMed 0.00015; 1000 Genomes Project 30x 0.00047; 1000 Genomes Project 0.00060.
gnomAD v4.1: 324 of 1,595,570 alleles (0.02%); highest among the groups gnomAD compares: South Asian, 0.19%; 2 homozygotes.

Submissions (6):

Blueprint Genetics
Classification: Likely benign. Last evaluated: 2024-10-16. Review status: criteria provided, single submitter. Criteria: ACMG Guidelines, 2015. Collection method: clinical testing. Allele origin: germline.

Labcorp Genetics (formerly Invitae), Labcorp
Classification: Likely benign. Last evaluated: 2024-01-22. Review status: criteria provided, single submitter. Criteria: Invitae Variant Classification Sherloc (09022015). Collection method: clinical testing. Allele origin: germline.

Revvity Omics, Revvity
Classification: Likely benign. Last evaluated: 2023-11-01. Review status: criteria provided, single submitter. Criteria: ACMG Guidelines, 2015. Collection method: clinical testing. Allele origin: germline.

GeneDx
Classification: Likely benign. Last evaluated: 2020-06-18. Review status: criteria provided, single submitter. Criteria: GeneDx Variant Classification Process June 2021. Collection method: clinical testing. Allele origin: germline. Affected: yes.
Comment: Has not been previously published as pathogenic or benign to our knowledge

Laboratory for Molecular Medicine, Mass General Brigham Personalized Medicine
Classification: Uncertain significance. Last evaluated: 2018-07-03. Review status: criteria provided, single submitter. Criteria: LMM Criteria. Collection method: clinical testing. Allele origin: germline. Observed: 2 variant alleles.
Comment: Computational prediction tools and conservation analyses do not provide strong support for or against an impact to the protein. In summary, the clinical significance of the p.Arg640Trp variant is uncertain. ACMG/AMP Criteria applied: BS1_Supporting.

PreventionGenetics, part of Exact Sciences
Classification: Likely benign for MYH14-related condition. Last evaluated: 2019-11-22. Review status: no assertion criteria provided. Collection method: clinical testing. Allele origin: germline. Not counted in ClinVar's aggregate classification.
Comment: This variant is classified as likely benign based on ACMG/AMP sequence variant interpretation guidelines (Richards et al. 2015 PMID: 25741868, with internal and published modifications).

NM_001145809.2(MYH14):c.1918C>T (p.Arg640Trp)

Gene: MYH14 (myosin heavy chain 14; plus strand). Cytogenetic location: 19q13.33.
Variant type: single nucleotide variant.
Coding change: c.1918C>T on transcript NM_001145809.2 (MANE Select); coding-DNA position 1918, C replaced by T.
Protein change: p.Arg640Trp; replaces arginine 640 with tryptophan.
Molecular consequence: missense variant.
Genome position (GRCh38, 1-based): chr19:50,252,726, C>T. VCF-style: chr19-50252726-C-T. GRCh37 (hg19) VCF-style: chr19-50755983-C-T.
Other names: c.1918C>T, p.Arg640Trp (NM_001077186.2); c.1894C>T, p.Arg632Trp (NM_024729.4); short protein forms R640W, R632W.
Identifiers: ClinVar variation 178416 (VCV000178416.19), dbSNP rs376267080, ClinGen allele CA182283.